The following is an entry in ClinVar:

NM_153006.3(NAGS):c.106_107dup (p.Arg37fs)

Gene: NAGS (N-acetylglutamate synthase; plus strand). Cytogenetic location: 17q21.31.
Variant type: Microsatellite.
Coding change: c.106_107dup on transcript NM_153006.3 (MANE Select); coding-DNA positions 106 to 107, 2 bases duplicated (CG; older notation c.106_107dupCG).
Protein change: p.Arg37fs; shifts the reading frame from arginine 37.
Molecular consequence: frameshift variant.
Genome position (GRCh38, 1-based): chr17:44,004,769-44,004,770, CG duplicated; duplicating any 2 consecutive bases within chr17:44,004,764-44,004,770 gives the same sequence; the c. name uses the placement nearest the transcript's 3' end. VCF-style (leftmost placement, unchanged base first): chr17-44004763-G-GGC. GRCh37 (hg19) VCF-style: chr17-42082131-G-GGC.
Other names: short protein forms R37fs.
Identifiers: ClinVar variation 4816897 (VCV004816897.1).

ClinVar aggregate classification (germline): Likely pathogenic (1 of 4 stars; one submission).

Conditions:
Hyperammonemia, type III (NAGSD). Also called: Hyperammonemia due to N-acetylglutamate synthase deficiency. Identifiers: Orphanet 927, MedGen C0268543, MONDO:0009377, OMIM 237310.

Submission:

Natera, Inc.
Classification: Likely pathogenic for Hyperammonemia type III. Last evaluated: 2024-05-30. Review status: criteria provided, single submitter. Criteria: Natera Variant Classification Schema (03/2026). Collection method: clinical testing. Allele origin: germline.
Comment: The c.106_107dupCG variant in NAGS is a frameshift variant predicted to shift the reading frame beginning at codon 37 and leads to a stop codon 75 codons downstream. This variant is expected to result in nonsense mediated decay, truncation, or a dysfunctional protein product. This variant is rare in the general population with a frequency below the threshold expected for the associated phenotype(s). Given the available evidence, this variant is classified as Likely Pathogenic.